The following is an entry in ClinVar:

NM_001035.3(RYR2):c.7009G>C (p.Gly2337Arg)

Gene: RYR2 (ryanodine receptor 2; plus strand). Cytogenetic location: 1q43.
Variant type: single nucleotide variant.
Coding change: c.7009G>C on transcript NM_001035.3 (MANE Select); coding-DNA position 7009, G replaced by C.
Protein change: p.Gly2337Arg; replaces glycine 2337 with arginine.
Molecular consequence: missense variant.
Genome position (GRCh38, 1-based): chr1:237,639,095, G>C. VCF-style: chr1-237639095-G-C. GRCh37 (hg19) VCF-style: chr1-237802395-G-C.
Other names: c.7009G>C, p.Gly2337Arg (LRG_402t1); short protein forms G2337R.
Identifiers: ClinVar variation 463624 (VCV000463624.12), dbSNP rs1553263875, ClinGen allele CA345395895.

ClinVar aggregate classification (germline): Likely pathogenic (1 of 4 stars; one submission).

Conditions:
Catecholaminergic polymorphic ventricular tachycardia 1. Also called: VENTRICULAR TACHYCARDIA, STRESS-INDUCED POLYMORPHIC 1; VENTRICULAR TACHYCARDIA, CATECHOLAMINERGIC POLYMORPHIC, 1, WITH OR WITHOUT ATRIAL DYSFUNCTION AND/OR DILATED CARDIOMYOPATHY; RYR2-Related Catecholaminergic Polymorphic Ventricular Tachycardia. Identifiers: Orphanet 3286, MedGen C1631597, MONDO:0011484, OMIM 604772.

Submission:

Labcorp Genetics (formerly Invitae), Labcorp
Classification: Likely pathogenic for Catecholaminergic polymorphic ventricular tachycardia 1. Last evaluated: 2019-07-30. Review status: criteria provided, single submitter. Criteria: Invitae Variant Classification Sherloc (09022015). Collection method: clinical testing. Allele origin: germline.
Comment: In summary, the currently available evidence indicates that the variant is pathogenic, but additional data are needed to prove that conclusively. Therefore, this variant has been classified as Likely Pathogenic. Algorithms developed to predict the effect of missense changes on protein structure and function (SIFT, PolyPhen-2, Align-GVGD) all suggest that this variant is likely to be disruptive, but these predictions have not been confirmed by published functional studies and their clinical significance is uncertain. This variant is not present in population databases (ExAC no frequency). This sequence change replaces glycine with arginine at codon 2337 of the RYR2 protein (p.Gly2337Arg). The glycine residue is highly conserved and there is a moderate physicochemical difference between glycine and arginine.

Literature cited by the submitters: PubMed 28750076.